The following is an entry in ClinVar:

ClinVar aggregate classification (germline): Uncertain significance. Review status: criteria provided, multiple submitters, no conflicts (2 of 4 stars). 2 submissions from 2 submitters: Uncertain significance (2). Last evaluated 2024-12-17.

Conditions:
COL2A1-related disorder. Also called: COL2A1-related condition; COL2A1-related disorders.

Allele frequency attached by ClinVar (database versions not stated): TOPMed 0.00001.

Submissions (2):

PreventionGenetics, part of Exact Sciences
Classification: Uncertain significance for COL2A1-related condition. Last evaluated: 2024-12-17. Review status: criteria provided, single submitter. Criteria: ACMG Guidelines, 2015. Collection method: clinical testing. Allele origin: germline.
Comment: The COL2A1 c.74G>C variant is predicted to result in the amino acid substitution p.Gly25Ala. This variant was reported in an individual with clinical features of Stickler syndrome (Zechi-Ceide et al. 2008. PubMed ID: 18541977). This variant has not been reported in a large population database (gnomAD), indicating this variant is rare. This variant could be pathogenic. At this time, the clinical significance of this variant is uncertain due to the absence of conclusive functional and genetic evidence.

Labcorp Genetics (formerly Invitae), Labcorp
Classification: Uncertain significance. Last evaluated: 2022-08-31. Review status: criteria provided, single submitter. Criteria: Invitae Variant Classification Sherloc (09022015). Collection method: clinical testing. Allele origin: germline.
Comment: Advanced modeling of protein sequence and biophysical properties (such as structural, functional, and spatial information, amino acid conservation, physicochemical variation, residue mobility, and thermodynamic stability) performed at Invitae indicates that this missense variant is not expected to disrupt COL2A1 protein function. In summary, the available evidence is currently insufficient to determine the role of this variant in disease. Therefore, it has been classified as a Variant of Uncertain Significance. ClinVar contains an entry for this variant (Variation ID: 1369657). This missense change has been observed in individual(s) with clinical features of COL2A1-related conditions (PMID: 18541977). This variant is not present in population databases (gnomAD no frequency). This sequence change replaces glycine, which is neutral and non-polar, with alanine, which is neutral and non-polar, at codon 25 of the COL2A1 protein (p.Gly25Ala).

Literature cited by the submitters: PubMed 18541977 (cited by Labcorp Genetics (formerly Invitae), Labcorp).

NM_001844.5(COL2A1):c.74G>C (p.Gly25Ala)

Gene: COL2A1 (collagen type II alpha 1 chain; minus strand). Cytogenetic location: 12q13.11.
Variant type: single nucleotide variant.
Coding change: c.74G>C on transcript NM_001844.5 (MANE Select); coding-DNA position 74, G replaced by C.
Protein change: p.Gly25Ala; replaces glycine 25 with alanine.
Molecular consequence: missense variant.
Genome position (GRCh38, 1-based): chr12:48,004,248, C>G on the plus strand (G>C on the coding strand, the complement: COL2A1 is on the minus strand). VCF-style: chr12-48004248-C-G. GRCh37 (hg19) VCF-style: chr12-48398031-C-G.
Other names: c.74G>C (NM_001844.4); c.74G>C, p.Gly25Ala (NM_033150.3); short protein forms G25A.
Identifiers: ClinVar variation 1369657 (VCV001369657.9), dbSNP rs1940368906, ClinGen allele CA384528180.